The following is an entry in ClinVar:

ClinVar aggregate classification (germline): Uncertain significance (1 of 4 stars; one submission).

Conditions:
Familial thoracic aortic aneurysm and aortic dissection (TAAD). Also called: Thoracic aortic aneurysms and dissections. Identifiers: Orphanet 91387, MedGen C4707243, MONDO:0019625.

Submission:

Color Diagnostics, LLC DBA Color Health
Classification: Uncertain significance for Familial thoracic aortic aneurysm and aortic dissection. Last evaluated: 2025-06-23. Review status: criteria provided, single submitter. Criteria: ACMG Guidelines, 2015. Collection method: clinical testing. Allele origin: germline.
Comment: This missense variant replaces isoleucine with phenylalanine at codon 826 of the MYH11 protein. Computational prediction suggests that this variant may have deleterious impact on protein structure and function. To our knowledge, functional studies have not been reported for this variant. This variant has not been reported in individuals affected with MYH11-related disorders in the literature. This variant has not been identified in the general population by the Genome Aggregation Database (gnomAD). The available evidence is insufficient to determine the role of this variant in disease conclusively. Therefore, this variant is classified as a Variant of Uncertain Significance.

NM_002474.3(MYH11):c.2455A>T (p.Ile819Phe)

Gene: MYH11 (myosin heavy chain 11; minus strand). Cytogenetic location: 16p13.11.
Variant type: single nucleotide variant.
Coding change: c.2455A>T on transcript NM_002474.3 (MANE Select); coding-DNA position 2455, A replaced by T.
Protein change: p.Ile819Phe; replaces isoleucine 819 with phenylalanine.
Molecular consequence: missense variant.
Genome position (GRCh38, 1-based): chr16:15,745,194, T>A on the plus strand (A>T on the coding strand, the complement: MYH11 is on the minus strand). VCF-style: chr16-15745194-T-A. GRCh37 (hg19) VCF-style: chr16-15839051-T-A.
Other names: c.2476A>T, p.Ile826Phe (NM_001040113.2, NM_001040114.2); c.2455A>T, p.Ile819Phe (NM_022844.3); short protein forms I819F, I826F.
Identifiers: ClinVar variation 4756964 (VCV004756964.1).